The following is an entry in ClinVar:

NM_000020.3(ACVRL1):c.145dup (p.Ala49fs)

Gene: ACVRL1 (activin A receptor like type 1; plus strand). Cytogenetic location: 12q13.13.
Variant type: Duplication.
Coding change: c.145dup on transcript NM_000020.3 (MANE Select); coding-DNA position 145, one base duplicated (G; older notation c.145dupG).
Protein change: p.Ala49fs; shifts the reading frame from alanine 49.
Molecular consequence: frameshift variant.
Genome position (GRCh38, 1-based): chr12:51,913,182, G duplicated; the last of 6 consecutive G bases (chr12:51,913,177-51,913,182); duplicating any one gives the same sequence. VCF-style (leftmost placement, unchanged base first): chr12-51913176-C-CG. GRCh37 (hg19) VCF-style: chr12-52306960-C-CG.
Other names: p.Ala49Glyfs*120; c.145dupG (NM_000020.2); c.145dup, p.Ala49fs (NM_001077401.2); short protein forms A49fs.
Identifiers: ClinVar variation 212805 (VCV000212805.42), dbSNP rs863223415, ClinGen allele CA319771.

ClinVar aggregate classification (germline): Pathogenic. Review status: criteria provided, multiple submitters, no conflicts (2 of 4 stars). 9 submissions from 9 submitters: Pathogenic (8). 1 of the submissions does not count toward it. Last evaluated 2026-09-01.

Conditions:
ACVRL1-related disorder. Also called: ACVRL1-related condition; ACVRL1-related disorders.
Cardiovascular phenotype. Identifiers: MedGen CN230736.
Telangiectasia, hereditary hemorrhagic, type 2 (HHT2). Also called: Telangiectasia, hereditary hemorrhagic, type II; ACVRL1-Related Hereditary Hemorrhagic Telangiectasia. Identifiers: Orphanet 774, MedGen C1838163, MONDO:0010880, OMIM 600376. Disease mechanism: loss of function.

Submissions (9):

GeneDx
Classification: Pathogenic. Last evaluated: 2026-09-01. Review status: criteria provided, single submitter. Criteria: GeneDx Variant Classification Process June 2021. Collection method: clinical testing. Allele origin: germline.
Comment: Not observed at significant frequency in large population cohorts (gnomAD); Frameshift variant predicted to result in protein truncation or nonsense mediated decay in a gene for which loss-of-function is a known mechanism of disease; Also known as 140insG, c.144_145insG and c.145_146insG; This variant is associated with the following publications: (PMID: 15266205, 15879500, 10694922, 17786384, 12114496, 23805858, 32300199, 19508727, 18673552)

Labcorp Genetics (formerly Invitae), Labcorp
Classification: Pathogenic for Telangiectasia, hereditary hemorrhagic, type 2. Last evaluated: 2025-11-06. Review status: criteria provided, single submitter. Criteria: Invitae Variant Classification Sherloc (09022015). Collection method: clinical testing. Allele origin: germline.
Comment: This sequence change creates a premature translational stop signal (p.Ala49Glyfs*120) in the ACVRL1 gene. It is expected to result in an absent or disrupted protein product. Loss-of-function variants in ACVRL1 are known to be pathogenic (PMID: 15879500). This variant is not present in population databases (gnomAD no frequency). This premature translational stop signal has been observed in individual(s) with hereditary hemorrhagic telangiectasia (HHT) (PMID: 10694922, 12114496). ClinVar contains an entry for this variant (Variation ID: 212805). For these reasons, this variant has been classified as Pathogenic.

Mayo Clinic Laboratories, Mayo Clinic
Classification: Pathogenic. Last evaluated: 2025-05-16. Review status: criteria provided, single submitter. Criteria: ACMG Guidelines, 2015. Collection method: clinical testing. Allele origin: germline. Observed: 2 variant alleles.
Comment: PM2_supporting, PS4_moderate, PVS1

Victorian Clinical Genetics Services, Murdoch Childrens Research Institute
Classification: Pathogenic for Telangiectasia, hereditary hemorrhagic, type 2. Last evaluated: 2024-10-10. Review status: criteria provided, single submitter. Criteria: ACMG Guidelines, 2015. Collection method: clinical testing. Allele origin: germline. Inheritance: Autosomal dominant inheritance. Affected: yes.
Comment: Based on the classification scheme VCGS_Germline_v1.3.5, this variant is classified as Pathogenic. Following criteria are met: 0103 - Dominant negative and loss of function are known mechanisms of disease in this gene and are associated with hereditary haemorrhagic telangiectasia type 2 (MIM# 600376) (PMID: 16282348; 26176610). (I) 0107 - This gene is associated with autosomal dominant disease. (I) 0115 - Variants in this gene are known to have variable expressivity. Clinical expression is known to be extremely variable and age-dependent (PMID: 19767588). (I) 0201 - Variant is predicted to cause nonsense-mediated decay (NMD) and loss of protein (premature termination codon is located at least 54 nucleotides upstream of the final exon-exon junction). (SP) 0251 - This variant is heterozygous. (I) 0301 - Variant is absent from gnomAD (v2, v3 and v4). (SP) 0701 - Other NMD-predicted variants comparable to the one identified in this case have very strong previous evidence for pathogenicity. Multiple pathogenic NMD-predicted variants identified (DECIPHER). (SP) 0801 - This variant has strong previous evidence of pathogenicity in unrelated individuals. This variant has been reported as pathogenic multiple times in ClinVar. (SP) Legend: (SP) - Supporting pathogenic, (I) - Information, (SB) - Supporting benign

Ambry Genetics
Classification: Pathogenic for Cardiovascular phenotype. Last evaluated: 2024-08-22. Review status: criteria provided, single submitter. Criteria: Ambry Variant Classification Scheme 2023. Collection method: clinical testing. Allele origin: germline.
Comment: The c.145dupG pathogenic mutation, located in coding exon 2 of the ACVRL1 gene, results from a duplication of G at nucleotide position 145, causing a translational frameshift with a predicted alternate stop codon (p.A49Gfs*120). This variant (also referred to as c.140insG) has been identified in multiple individuals and families meeting criteria for hereditary hemorrhagic telangiectasia (Klaus DJ et al. Hum. Mutat., 1998;12:137; Olivieri C et al. J. Hum. Genet., 2007 Sep;52:820-9; Fontalba A et al. BMC Med. Genet., 2008 Aug;9:75; McDonald J et al. Clin. Genet., 2011 Apr;79:335-44). This variant is considered to be rare based on population cohorts in the Genome Aggregation Database (gnomAD). In addition to the clinical data presented in the literature, this alteration is expected to result in loss of function by premature protein truncation or nonsense-mediated mRNA decay. As such, this alteration is interpreted as a disease-causing mutation.

Blueprint Genetics
Classification: Pathogenic for ACVRL1-related disorders. Last evaluated: 2024-01-18. Review status: criteria provided, single submitter. Criteria: ACMG Guidelines, 2015. Collection method: clinical testing. Allele origin: germline. Affected: yes. Observed: 2 variant alleles.

CeGaT Center for Human Genetics Tuebingen
Classification: Pathogenic. Last evaluated: 2023-10-01. Review status: criteria provided, single submitter. Criteria: CeGaT Center For Human Genetics Tuebingen Variant Classification Criteria Version 2. Collection method: clinical testing. Allele origin: germline. Affected: yes. Observed: 1 variant allele.
Comment: ACVRL1: PVS1, PM2, PS4:Moderate

Women's Health and Genetics/Laboratory Corporation of America, LabCorp
Classification: Pathogenic for ACVRL1-Related Disorders. Last evaluated: 2023-05-19. Review status: criteria provided, single submitter. Criteria: LabCorp Variant Classification Summary - May 2015. Collection method: clinical testing. Allele origin: germline.
Comment: Variant summary: ACVRL1 c.145dupG (p.Ala49GlyfsX120) results in a premature termination codon, predicted to cause a truncation of the encoded protein or absence of the protein due to nonsense mediated decay, which are commonly known mechanisms for disease. The variant was absent in 221746 control chromosomes. The available data on variant occurrences in the general population are insufficient to allow any conclusion about variant significance. c.145dupG has been reported in the literature in individuals affected with Hereditary Hemorrhagic Telangiectasia (e.g., Sadick_2009, Fontalba_2008). These data indicate that the variant may be associated with disease. The following publications have been ascertained in the context of this evaluation (PMID: 18673552, 19508727). Three clinical diagnostic laboratories have submitted clinical-significance assessments for this variant to ClinVar after 2014, and all laboratories classified the variant as pathogenic. Based on the evidence outlined above, the variant was classified as pathogenic.

PreventionGenetics, part of Exact Sciences
Classification: Pathogenic for ACVRL1-related condition. Last evaluated: 2023-12-12. Review status: no assertion criteria provided. Collection method: clinical testing. Allele origin: germline. Not counted in ClinVar's aggregate classification.
Comment: The ACVRL1 c.145dupG variant is predicted to result in a frameshift and premature protein termination (p.Ala49Glyfs*120). This variant was reported in individuals with hereditary hemorrhagic telangiectasia (HHT) (Table S1 in McDonald et al 2020. PubMed ID: 32300199; Sadick et al. 2009. PubMed ID: 19508727; Fontalba et al. 2008. PubMed ID: 18673552). This variant has not been reported in a large population database, indicating this variant is rare. Frameshift variants in ACVRL1 are expected to be pathogenic. This variant is interpreted as pathogenic.

Literature cited by the submitters: PubMed 15879500 (cited by Labcorp Genetics (formerly Invitae), Labcorp); PubMed 10694922 (cited by 3 submitters); PubMed 12114496 (cited by Labcorp Genetics (formerly Invitae), Labcorp and Ambry Genetics); PubMed 17786384 (cited by Mayo Clinic Laboratories, Mayo Clinic and Ambry Genetics); PubMed 18673552 (cited by 3 submitters); PubMed 32300199 (cited by Mayo Clinic Laboratories, Mayo Clinic); PubMed 40205542 (cited by Mayo Clinic Laboratories, Mayo Clinic); PubMed 16282348 (cited by Victorian Clinical Genetics Services, Murdoch Childrens Research Institute); PubMed 19767588 (cited by Victorian Clinical Genetics Services, Murdoch Childrens Research Institute); PubMed 26176610 (cited by Victorian Clinical Genetics Services, Murdoch Childrens Research Institute); PubMed 15266205 (cited by Ambry Genetics); PubMed 21158752 (cited by Ambry Genetics); PubMed 19508727 (cited by Women's Health and Genetics/Laboratory Corporation of America, LabCorp).